The following is an entry in ClinVar:

NM_017433.5(MYO3A):c.2468T>C (p.Met823Thr)

Gene: MYO3A (myosin IIIA; plus strand). Cytogenetic location: 10p12.1.
Variant type: single nucleotide variant.
Coding change: c.2468T>C on transcript NM_017433.5 (MANE Select); coding-DNA position 2468, T replaced by C.
Protein change: p.Met823Thr; replaces methionine 823 with threonine.
Molecular consequence: missense variant.
Genome position (GRCh38, 1-based): chr10:26,145,497, T>C. VCF-style: chr10-26145497-T-C. GRCh37 (hg19) VCF-style: chr10-26434426-T-C.
Other names: short protein forms M823T.
Identifiers: ClinVar variation 3764183 (VCV003764183.1).

ClinVar aggregate classification (germline): Uncertain significance (1 of 4 stars; one submission).

gnomAD v4.1: 1 of 1,610,462 alleles (0.000062%); highest among the groups gnomAD compares: African/African-American, 0.0013%; no homozygotes.

Submission:

GeneDx
Classification: Uncertain significance. Last evaluated: 2024-08-21. Review status: criteria provided, single submitter. Criteria: GeneDx Variant Classification Process June 2021. Collection method: clinical testing. Allele origin: germline. Affected: yes.
Comment: Not observed at significant frequency in large population cohorts (gnomAD); In silico analysis indicates that this missense variant does not alter protein structure/function; Has not been previously published as pathogenic or benign to our knowledge